The following is an entry in ClinVar:

NM_006949.4(STXBP2):c.97A>G (p.Met33Val)

Gene: STXBP2 (syntaxin binding protein 2; plus strand). Cytogenetic location: 19p13.2.
Variant type: single nucleotide variant.
Coding change: c.97A>G on transcript NM_006949.4 (MANE Select); coding-DNA position 97, A replaced by G.
Protein change: p.Met33Val; replaces methionine 33 with valine.
Molecular consequence: missense variant. On other transcripts: non-coding transcript variant (1).
Genome position (GRCh38, 1-based): chr19:7,639,028, A>G. VCF-style: chr19-7639028-A-G. GRCh37 (hg19) VCF-style: chr19-7703914-A-G.
Other names: c.97A>G (NM_006949.2); c.97A>G, p.Met33Val (NM_001127396.3, NM_001272034.2); short protein forms M33V.
Identifiers: ClinVar variation 1520924 (VCV001520924.6), dbSNP rs769918010, ClinGen allele CA9143132.

ClinVar aggregate classification (germline): Uncertain significance. Review status: criteria provided, multiple submitters, no conflicts (2 of 4 stars). 2 submissions from 2 submitters: Uncertain significance (2). Last evaluated 2022-12-15.

Conditions:
Familial hemophagocytic lymphohistiocytosis 5. Also called: STXBP2-Related Familial Hemophagocytic Lymphohistiocytosis (STXBP2-fHLH). Identifiers: Orphanet 540, MedGen C2751293, MONDO:0013135, OMIM 613101.
Inborn genetic diseases. Identifiers: MedGen C0950123, MeSH D030342.

Allele frequency attached by ClinVar (database versions not stated): ExAC 0.00001; gnomAD 0.00001; gnomAD exomes 0.00001 and 0.00002.
gnomAD v4.1: 12 of 1,614,046 alleles (0.00074%); highest among the groups gnomAD compares: South Asian, 0.013%; no homozygotes.

Submissions (2):

Ambry Genetics
Classification: Uncertain significance for Inborn genetic diseases. Last evaluated: 2022-12-15. Review status: criteria provided, single submitter. Criteria: Ambry Variant Classification Scheme 2023. Collection method: clinical testing. Allele origin: germline.

Labcorp Genetics (formerly Invitae), Labcorp
Classification: Uncertain significance for Familial hemophagocytic lymphohistiocytosis 5. Last evaluated: 2021-08-27. Review status: criteria provided, single submitter. Criteria: Invitae Variant Classification Sherloc (09022015). Collection method: clinical testing. Allele origin: germline.
Comment: This sequence change replaces methionine with valine at codon 33 of the STXBP2 protein (p.Met33Val). The methionine residue is moderately conserved and there is a small physicochemical difference between methionine and valine. This variant is present in population databases (rs769918010, ExAC 0.006%). This variant has not been reported in the literature in individuals affected with STXBP2-related conditions. Algorithms developed to predict the effect of missense changes on protein structure and function output the following: SIFT: "Tolerated"; PolyPhen-2: "Benign"; Align-GVGD: "Class C0". The valine amino acid residue is found in multiple mammalian species, which suggests that this missense change does not adversely affect protein function. In summary, the available evidence is currently insufficient to determine the role of this variant in disease. Therefore, it has been classified as a Variant of Uncertain Significance.